The following is an entry in ClinVar:

ClinVar aggregate classification (germline): Uncertain significance (1 of 4 stars; one submission).

Conditions:
Dilated cardiomyopathy 1DD (CMD1DD). Identifiers: Orphanet 154, MedGen C2750995, MONDO:0013168, OMIM 613172.

Submission:

Labcorp Genetics (formerly Invitae), Labcorp
Classification: Uncertain significance for Dilated cardiomyopathy 1DD. Last evaluated: 2017-12-08. Review status: criteria provided, single submitter. Criteria: Invitae Variant Classification Sherloc (09022015). Collection method: clinical testing. Allele origin: germline.
Comment: This sequence change replaces leucine with valine at codon 1132 of the RBM20 protein (p.Leu1132Val). The leucine residue is weakly conserved and there is a small physicochemical difference between leucine and valine. This variant is not present in population databases (ExAC no frequency). This variant has not been reported in the literature in individuals with RBM20-related disease. Algorithms developed to predict the effect of missense changes on protein structure and function (SIFT, PolyPhen-2, Align-GVGD) all suggest that this variant is likely to be tolerated, but these predictions have not been confirmed by published functional studies and their clinical significance is uncertain. In summary, the available evidence is currently insufficient to determine the role of this variant in disease. Therefore, it has been classified as a Variant of Uncertain Significance.

NM_001134363.3(RBM20):c.3394C>G (p.Leu1132Val)

Gene: RBM20 (RNA binding motif protein 20; plus strand). Cytogenetic location: 10q25.2.
Variant type: single nucleotide variant.
Coding change: c.3394C>G on transcript NM_001134363.3 (MANE Select); coding-DNA position 3394, C replaced by G.
Protein change: p.Leu1132Val; replaces leucine 1132 with valine.
Molecular consequence: missense variant.
Genome position (GRCh38, 1-based): chr10:110,823,557, C>G. VCF-style: chr10-110823557-C-G. GRCh37 (hg19) VCF-style: chr10-112583315-C-G.
Other names: short protein forms L1132V.
Identifiers: ClinVar variation 538024 (VCV000538024.1), dbSNP rs1554843750, ClinGen allele CA378383952.